The following is an entry in ClinVar:

ClinVar aggregate classification (germline): Likely benign. Review status: criteria provided, single submitter (1 of 4 stars). 2 submissions from 2 submitters: Likely benign (1). 1 of the submissions does not count toward it. Last evaluated 2025-06-08.

Conditions:
ZNF408-related disorder. Also called: ZNF408-related condition.

Allele frequency attached by ClinVar (database versions not stated): ExAC 0.00001; gnomAD exomes 0.00002 and 0.00006; gnomAD 0.00003 and 0.00004; TOPMed 0.00003.

Submissions (2):

Labcorp Genetics (formerly Invitae), Labcorp
Classification: Likely benign. Last evaluated: 2025-06-08. Review status: criteria provided, single submitter. Criteria: Invitae Variant Classification Sherloc (09022015). Collection method: clinical testing. Allele origin: germline.

PreventionGenetics, part of Exact Sciences
Classification: Likely benign for ZNF408-related condition. Last evaluated: 2019-09-19. Review status: no assertion criteria provided. Collection method: clinical testing. Allele origin: germline. Not counted in ClinVar's aggregate classification.
Comment: This variant is classified as likely benign based on ACMG/AMP sequence variant interpretation guidelines (Richards et al. 2015 PMID: 25741868, with internal and published modifications).

NM_024741.3(ZNF408):c.2124C>T (p.Gly708=)

Gene: ZNF408 (zinc finger protein 408; plus strand). Cytogenetic location: 11p11.2.
Variant type: single nucleotide variant.
Coding change: c.2124C>T on transcript NM_024741.3 (MANE Select); coding-DNA position 2124, C replaced by T.
Protein change: p.Gly708=; no amino-acid change (glycine 708 retained).
Molecular consequence: synonymous variant.
Genome position (GRCh38, 1-based): chr11:46,705,824, C>T. VCF-style: chr11-46705824-C-T. GRCh37 (hg19) VCF-style: chr11-46727374-C-T.
Other names: c.2124C>T (NM_024741.2); c.2100C>T, p.Gly700= (NM_001184751.2).
Identifiers: ClinVar variation 1047161 (VCV001047161.9), dbSNP rs769453151, ClinGen allele CA5966722.